The following is an entry in ClinVar:

ClinVar aggregate classification (germline): Benign/Likely benign. Review status: criteria provided, multiple submitters, no conflicts (2 of 4 stars). 11 submissions from 11 submitters: Benign (5); Likely benign (4). 2 of the submissions do not count toward it. Last evaluated 2026-06-01.

Conditions:
FLNB-Related Spectrum Disorders.
Connective tissue disorder. Also called: Connective tissue disease. Identifiers: MedGen C0009782, MONDO:0003900.

Allele frequency attached by ClinVar (database versions not stated): 1000 Genomes Project 30x 0.00172; 1000 Genomes Project 0.00200; gnomAD exomes 0.00392 and 0.00569; TOPMed 0.00411; gnomAD 0.00413 and 0.00436; ExAC 0.00433; ESP Exome Variant Server 0.00523.
gnomAD v4.1: 8,901 of 1,613,906 alleles (0.55%); highest among the groups gnomAD compares: Non-Finnish European, 0.66%; 41 homozygotes.

Submissions (11):

CeGaT Center for Human Genetics Tuebingen
Classification: Likely benign. Last evaluated: 2026-06-01. Review status: criteria provided, single submitter. Criteria: CeGaT Center For Human Genetics Tuebingen Variant Classification Criteria Version 2. Collection method: clinical testing. Allele origin: germline. Affected: yes. Observed: 13 variant alleles.
Comment: FLNB: BP4, BP7, BS2

Labcorp Genetics (formerly Invitae), Labcorp
Classification: Benign. Last evaluated: 2026-02-01. Review status: criteria provided, single submitter. Criteria: Invitae Variant Classification Sherloc (09022015). Collection method: clinical testing. Allele origin: germline.

Blueprint Genetics
Classification: Likely benign. Last evaluated: 2024-11-25. Review status: criteria provided, single submitter. Criteria: ACMG Guidelines, 2015. Collection method: clinical testing. Allele origin: germline.

ARUP Laboratories, Molecular Genetics and Genomics, ARUP Laboratories
Classification: Benign. Last evaluated: 2023-09-28. Review status: criteria provided, single submitter. Criteria: ARUP Molecular Germline Variant Investigation Process 2024. Collection method: clinical testing. Allele origin: germline.

Genome Diagnostics Laboratory, The Hospital for Sick Children
Classification: Benign for Connective tissue disorder. Last evaluated: 2022-06-06. Review status: criteria provided, single submitter. Criteria: ACMG Guidelines, 2015. Collection method: clinical testing. Allele origin: germline.

GeneDx
Classification: Benign. Last evaluated: 2019-01-02. Review status: criteria provided, single submitter. Criteria: GeneDx Variant Classification Process June 2021. Collection method: clinical testing. Allele origin: germline. Affected: yes.

Illumina Laboratory Services, Illumina
Classification: Likely benign for FLNB-Related Spectrum Disorders. Last evaluated: 2018-01-12. Review status: criteria provided, single submitter. Criteria: ICSL Variant Classification Criteria 13 December 2019. Collection method: clinical testing. Allele origin: germline.
Comment: This variant was observed in the ICSL laboratory as part of a predisposition screen in an ostensibly healthy population. It had not been previously curated by ICSL or reported in the Human Gene Mutation Database (HGMD: prior to June 1st, 2018), and was therefore a candidate for classification through an automated scoring system. Utilizing variant allele frequency, disease prevalence and penetrance estimates, and inheritance mode, an automated score was calculated to assess if this variant is too frequent to cause the disease. Based on the score and internal cut-off values, a variant classified as likely benign is not then subjected to further curation. The score for this variant resulted in a classification of likely benign for this disease.

Eurofins Ntd Llc (ga)
Classification: Benign. Last evaluated: 2015-10-19. Review status: criteria provided, single submitter. Criteria: EGL Classification Definitions 2015. Collection method: clinical testing. Allele origin: germline. Observed: 1 variant allele, 1 heterozygote.

Breakthrough Genomics
Classification: Likely benign. Review status: criteria provided, single submitter. Criteria: ACMG Guidelines, 2015. Collection method: not provided. Allele origin: germline. Inheritance: Autosomal recessive inheritance. Affected: yes.

Clinical Genetics DNA and cytogenetics Diagnostics Lab, Erasmus MC, Erasmus Medical Center
Classification: Likely benign. Review status: no assertion criteria provided. Collection method: clinical testing. Allele origin: germline. Affected: yes. Study: VKGL Data-share Consensus. Not counted in ClinVar's aggregate classification.

Genome Diagnostics Laboratory, Amsterdam University Medical Center
Classification: Benign. Review status: no assertion criteria provided. Collection method: clinical testing. Allele origin: germline. Affected: yes. Study: VKGL Data-share Consensus. Not counted in ClinVar's aggregate classification.

NM_001457.4(FLNB):c.4872C>T (p.Ile1624=)

Gene: FLNB (filamin B; plus strand). Cytogenetic location: 3p14.3.
Variant type: single nucleotide variant.
Coding change: c.4872C>T on transcript NM_001457.4 (MANE Select); coding-DNA position 4872, C replaced by T.
Protein change: p.Ile1624=; no amino-acid change (isoleucine 1624 retained).
Molecular consequence: synonymous variant.
Genome position (GRCh38, 1-based): chr3:58,138,292, C>T. VCF-style: chr3-58138292-C-T. GRCh37 (hg19) VCF-style: chr3-58124019-C-T.
Other names: c.4965C>T, p.Ile1655= (NM_001164317.2); c.4872C>T, p.Ile1624= (NM_001164318.2, NM_001164319.2).
Identifiers: ClinVar variation 283851 (VCV000283851.60), dbSNP rs147426569, ClinGen allele CA2468903.